The following is an entry in ClinVar:

ClinVar aggregate classification (germline): Pathogenic/Likely pathogenic. Review status: criteria provided, multiple submitters, no conflicts (2 of 4 stars). 2 submissions from 2 submitters: Pathogenic (1); Likely pathogenic (1). Last evaluated 2023-08-17.

Submissions (2):

Labcorp Genetics (formerly Invitae), Labcorp
Classification: Likely pathogenic. Last evaluated: 2023-08-17. Review status: criteria provided, single submitter. Criteria: Invitae Variant Classification Sherloc (09022015). Collection method: clinical testing. Allele origin: germline.
Comment: Algorithms developed to predict the effect of sequence changes on RNA splicing suggest that this variant may disrupt the consensus splice site. In summary, the currently available evidence indicates that the variant is pathogenic, but additional data are needed to prove that conclusively. Therefore, this variant has been classified as Likely Pathogenic. ClinVar contains an entry for this variant (Variation ID: 379656). This variant has not been reported in the literature in individuals affected with ADAMTS13-related conditions. This variant is not present in population databases (gnomAD no frequency). This sequence change affects a donor splice site in intron 23 of the ADAMTS13 gene. It is expected to disrupt RNA splicing. Variants that disrupt the donor or acceptor splice site typically lead to a loss of protein function (PMID: 16199547), and loss-of-function variants in ADAMTS13 are known to be pathogenic (PMID: 11586351, 12753286, 21781265).

GeneDx
Classification: Pathogenic. Last evaluated: 2015-04-28. Review status: criteria provided, single submitter. Criteria: GeneDx Variant Classification (06012015). Collection method: clinical testing. Allele origin: germline. Affected: yes.
Comment: The c.3044+1G>A variant in the ADAMTS13 gene has not been reported previously as a pathogenic variant nor as a benign polymorphism, to our knowledge. This splice site variant destroys the canonicalsplice donor site in intron 23. It is predicted to cause abnormal gene splicing, either leading to an abnormalmessage that is subject to nonsense-mediated mRNA decay, or to an abnormal protein product if the messageis used for protein translation. The c.3044+1G>A variant was not observed in approximately 6500individuals of European and African American ancestry in the NHLBI Exome Sequencing Project, indicating itis not a common benign variant in these populations. We interpret c.3044+1G>A as a pathogenic variant.

Literature cited by the submitters: PubMed 16199547 (cited by Labcorp Genetics (formerly Invitae), Labcorp); PubMed 11586351 (cited by Labcorp Genetics (formerly Invitae), Labcorp); PubMed 12753286 (cited by Labcorp Genetics (formerly Invitae), Labcorp); PubMed 21781265 (cited by Labcorp Genetics (formerly Invitae), Labcorp).

NM_139027.6(ADAMTS13):c.3044+1G>A

Gene: ADAMTS13 (ADAM metallopeptidase with thrombospondin type 1 motif 13; plus strand). Cytogenetic location: 9q34.2.
Variant type: single nucleotide variant.
Coding change: c.3044+1G>A on transcript NM_139027.6 (MANE Select); the canonical splice donor site of the intron after coding-DNA position 3044, G replaced by A.
Molecular consequence: splice donor variant.
Genome position (GRCh38, 1-based): chr9:133,449,966, G>A. VCF-style: chr9-133449966-G-A. GRCh37 (hg19) VCF-style: chr9-136315087-G-A.
Other names: c.3044+1G>A (NM_139025.5); c.2951+1G>A (NM_139026.6).
Identifiers: ClinVar variation 379656 (VCV000379656.5), dbSNP rs1057520680, ClinGen allele CA16605655.
Genomic context (GRCh38, chr9:133,449,966, plus strand): 5'-CCAGGGGCTGCCTCGCCCGGAACCCCAGGAGGCCTGCAGCCTGGAGCCCTGCCCACCTAG[G>A]TGAGTCAGCCGGTGATGGGAGGGGCAGCTCCTGGTGTGTGCAGATGCCAGGCCAGGCGCT-3'